The following is an entry in ClinVar:

NM_152564.5(VPS13B):c.5171del (p.Gln1723_Leu1724insTer)

Gene: VPS13B (vacuolar protein sorting 13 homolog B; plus strand). Cytogenetic location: 8q22.2.
Variant type: Deletion.
Coding change: c.5171del on transcript NM_152564.5 (MANE Select); coding-DNA position 5171, one base deleted (T; older notation c.5171delT).
Protein change: p.Gln1723_Leu1724insTer.
Molecular consequence: nonsense.
Genome position (GRCh38, 1-based): chr8:99,577,584, T deleted; the last of 2 consecutive T bases (chr8:99,577,583-99,577,584); deleting either gives the same sequence. VCF-style (leftmost placement, unchanged base first): chr8-99577582-GT-G. GRCh37 (hg19) VCF-style: chr8-100589810-GT-G.
Other names: c.5246del (NM_017890.4); c.5246del, p.Gln1748_Leu1749insTer (NM_017890.5); c.5246delT (NM_017890.4).
Identifiers: ClinVar variation 653338 (VCV000653338.7), dbSNP rs1434257397, ClinGen allele CA857584862.

ClinVar aggregate classification (germline): Pathogenic/Likely pathogenic. Review status: criteria provided, multiple submitters, no conflicts (2 of 4 stars). 2 submissions from 2 submitters: Pathogenic (1); Likely pathogenic (1). Last evaluated 2024-11-29.

Conditions:
Cohen syndrome (COH1). Also called: PEPPER SYNDROME; Cutis verticis gyrata, retinitis pigmentosa, and sensorineural deafness. Identifiers: Orphanet 193, MedGen C0265223, MONDO:0008999, OMIM 216550.

Submissions (2):

Natera, Inc.
Classification: Likely pathogenic for Cohen syndrome. Last evaluated: 2024-11-29. Review status: criteria provided, single submitter. Criteria: Natera Variant Classification Schema (03/2026). Collection method: clinical testing. Allele origin: germline.
Comment: The c.5246del variant in VPS13B is a frameshift variant predicted to shift the reading frame and introduce a stop codon. This variant is expected to result in nonsense mediated decay, truncation, or a dysfunctional protein product. This variant is rare in the general population with a frequency below the threshold expected for the associated phenotype(s). Given the available evidence, this variant is classified as Likely Pathogenic.

Labcorp Genetics (formerly Invitae), Labcorp
Classification: Pathogenic for Cohen syndrome. Last evaluated: 2018-09-17. Review status: criteria provided, single submitter. Criteria: Invitae Variant Classification Sherloc (09022015). Collection method: clinical testing. Allele origin: germline.
Comment: For these reasons, this variant has been classified as Pathogenic. Loss-of-function variants in VPS13B are known to be pathogenic (PMID: 15141358, 16648375, 20461111). This variant has not been reported in the literature in individuals with VPS13B-related disease. This variant is not present in population databases (ExAC no frequency). This sequence change creates a premature translational stop signal (p.Leu1749*) in the VPS13B gene. It is expected to result in an absent or disrupted protein product.

Literature cited by the submitters: PubMed 15141358 (cited by Labcorp Genetics (formerly Invitae), Labcorp); PubMed 16648375 (cited by Labcorp Genetics (formerly Invitae), Labcorp); PubMed 20461111 (cited by Labcorp Genetics (formerly Invitae), Labcorp).